The following is an entry in ClinVar:

NM_003482.4(KMT2D):c.12485G>A (p.Arg4162Gln)

Gene: KMT2D (lysine methyltransferase 2D; minus strand). Cytogenetic location: 12q13.12.
Variant type: single nucleotide variant.
Coding change: c.12485G>A on transcript NM_003482.4 (MANE Select); coding-DNA position 12485, G replaced by A.
Protein change: p.Arg4162Gln; replaces arginine 4162 with glutamine.
Molecular consequence: missense variant.
Genome position (GRCh38, 1-based): chr12:49,032,220, C>T on the plus strand (G>A on the coding strand, the complement: KMT2D is on the minus strand). VCF-style: chr12-49032220-C-T. GRCh37 (hg19) VCF-style: chr12-49426003-C-T.
Other names: short protein forms R4162Q.
Identifiers: ClinVar variation 715093 (VCV000715093.20), dbSNP rs201078160, ClinGen allele CA6546204.

ClinVar aggregate classification (germline): Benign/Likely benign. Review status: criteria provided, multiple submitters, no conflicts (2 of 4 stars). 7 submissions from 7 submitters: Benign (2); Likely benign (3). 2 of the submissions do not count toward it. Last evaluated 2026-02-02.

Conditions:
Kabuki syndrome. Also called: Kabuki make-up syndrome; NIIKAWA-KUROKI SYNDROME. Identifiers: Orphanet 2322, MedGen C0796004, MONDO:0016512.
Kabuki syndrome 1 (KABUK1). Also called: KMT2D-Related Kabuki Syndrome. Identifiers: Orphanet 2322, MedGen CN030661, MONDO:0007843, OMIM 147920.
KMT2D-related disorder. Also called: KMT2D-Related Disorders.
Inborn genetic diseases. Identifiers: MedGen C0950123, MeSH D030342.

Allele frequency attached by ClinVar (database versions not stated): ExAC 0.00010; gnomAD exomes 0.00011 and 0.00014; ESP Exome Variant Server 0.00016; 1000 Genomes Project 0.00020; gnomAD 0.00022 and 0.00024; 1000 Genomes Project 30x 0.00031; TOPMed 0.00042.
gnomAD v4.1: 186 of 1,613,310 alleles (0.012%); highest among the groups gnomAD compares: East Asian, 0.11%; no homozygotes.

Submissions (7):

Labcorp Genetics (formerly Invitae), Labcorp
Classification: Likely benign for Kabuki syndrome. Last evaluated: 2026-02-02. Review status: criteria provided, single submitter. Criteria: Invitae Variant Classification Sherloc (09022015). Collection method: clinical testing. Allele origin: germline.

Ambry Genetics
Classification: Likely benign for Inborn genetic diseases. Last evaluated: 2024-12-28. Review status: criteria provided, single submitter. Criteria: Ambry Variant Classification Scheme 2023. Collection method: clinical testing. Allele origin: germline.

Blueprint Genetics
Classification: Likely benign. Last evaluated: 2024-03-13. Review status: criteria provided, single submitter. Criteria: ACMG Guidelines, 2015. Collection method: clinical testing. Allele origin: germline.

Mendelics
Classification: Benign for Kabuki syndrome 1. Last evaluated: 2023-08-22. Review status: criteria provided, single submitter. Criteria: Mendelics Assertion Criteria 2019. Collection method: clinical testing. Allele origin: germline.

GeneDx
Classification: Benign. Last evaluated: 2020-04-17. Review status: criteria provided, single submitter. Criteria: GeneDx Variant Classification Process June 2021. Collection method: clinical testing. Allele origin: germline. Affected: yes.
Comment: This variant is associated with the following publications: (PMID: 30107592, 30459467, 24633898)

PreventionGenetics, part of Exact Sciences
Classification: Likely benign for KMT2D-related condition. Last evaluated: 2023-06-14. Review status: no assertion criteria provided. Collection method: clinical testing. Allele origin: germline. Not counted in ClinVar's aggregate classification.
Comment: This variant is classified as likely benign based on ACMG/AMP sequence variant interpretation guidelines (Richards et al. 2015 PMID: 25741868, with internal and published modifications).

Department of Maternal-Fetal Biology, National Research Institute for Child Health and Development
Classification: Benign for Kabuki syndrome 1. Review status: no assertion criteria provided. Collection method: clinical testing. Allele origin: unknown. Affected: no. Observed: 1 variant allele. Not counted in ClinVar's aggregate classification.